The following is an entry in ClinVar:

ClinVar aggregate classification (germline): Uncertain significance (1 of 4 stars; one submission).

Conditions:
RFT1-congenital disorder of glycosylation (CDG1N). Also called: CDG In; RFT1-CDG; Congenital disorder of glycosylation type In. Identifiers: Orphanet 244310, MedGen C2677590, MONDO:0012783, OMIM 612015.

Submission:

Labcorp Genetics (formerly Invitae), Labcorp
Classification: Uncertain significance for RFT1-congenital disorder of glycosylation. Last evaluated: 2024-09-03. Review status: criteria provided, single submitter. Criteria: Invitae Variant Classification Sherloc (09022015). Collection method: clinical testing. Allele origin: germline.
Comment: This sequence change replaces alanine, which is neutral and non-polar, with serine, which is neutral and polar, at codon 463 of the RFT1 protein (p.Ala463Ser). This variant is not present in population databases (gnomAD no frequency). This variant has not been reported in the literature in individuals affected with RFT1-related conditions. Invitae Evidence Modeling of protein sequence and biophysical properties (such as structural, functional, and spatial information, amino acid conservation, physicochemical variation, residue mobility, and thermodynamic stability) indicates that this missense variant is not expected to disrupt RFT1 protein function with a negative predictive value of 80%. In summary, the available evidence is currently insufficient to determine the role of this variant in disease. Therefore, it has been classified as a Variant of Uncertain Significance.

NM_052859.4(RFT1):c.1387G>T (p.Ala463Ser)

Gene: RFT1 (RFT1 glycolipid translocator homolog; minus strand). Cytogenetic location: 3p21.1.
Variant type: single nucleotide variant.
Coding change: c.1387G>T on transcript NM_052859.4 (MANE Select); coding-DNA position 1387, G replaced by T.
Protein change: p.Ala463Ser; replaces alanine 463 with serine.
Molecular consequence: missense variant.
Genome position (GRCh38, 1-based): chr3:53,092,440, C>A on the plus strand (G>T on the coding strand, the complement: RFT1 is on the minus strand). VCF-style: chr3-53092440-C-A. GRCh37 (hg19) VCF-style: chr3-53126456-C-A.
Other names: short protein forms A463S.
Identifiers: ClinVar variation 3664331 (VCV003664331.2).